The following is an entry in ClinVar:

NM_004273.5(CHST3):c.1165G>A (p.Ala389Thr)

Gene: CHST3 (carbohydrate sulfotransferase 3; plus strand). Cytogenetic location: 10q22.1.
Variant type: single nucleotide variant.
Coding change: c.1165G>A on transcript NM_004273.5 (MANE Select); coding-DNA position 1165, G replaced by A.
Protein change: p.Ala389Thr; replaces alanine 389 with threonine.
Molecular consequence: missense variant.
Genome position (GRCh38, 1-based): chr10:72,008,196, G>A. VCF-style: chr10-72008196-G-A. GRCh37 (hg19) VCF-style: chr10-73767954-G-A.
Other names: c.1165G>A (NM_004273.4); short protein forms A389T.
Identifiers: ClinVar variation 2101103 (VCV002101103.2), dbSNP rs1003539672, ClinGen allele CA377151488.

ClinVar aggregate classification (germline): Uncertain significance. Review status: criteria provided, multiple submitters, no conflicts (2 of 4 stars). 2 submissions from 2 submitters: Uncertain significance (2). Last evaluated 2024-12-31.

Conditions:
Inborn genetic diseases. Identifiers: MedGen C0950123, MeSH D030342.
Spondyloepiphyseal dysplasia with congenital joint dislocations (SEDCJD). Also called: Chondrodysplasia with Congenital Joint Dislocations, CHST3-Related. Identifiers: Orphanet 263463, MedGen C1837657, MONDO:0007738, OMIM 143095.

gnomAD v4.1: 13 of 1,550,522 alleles (0.00084%); highest among the groups gnomAD compares: South Asian, 0.0012%; no homozygotes.

Submissions (2):

Ambry Genetics
Classification: Uncertain significance for Inborn genetic diseases. Last evaluated: 2024-12-31. Review status: criteria provided, single submitter. Criteria: Ambry Variant Classification Scheme 2023. Collection method: clinical testing. Allele origin: germline.

Labcorp Genetics (formerly Invitae), Labcorp
Classification: Uncertain significance for Spondyloepiphyseal dysplasia with congenital joint dislocations. Last evaluated: 2022-02-22. Review status: criteria provided, single submitter. Criteria: Invitae Variant Classification Sherloc (09022015). Collection method: clinical testing. Allele origin: germline.
Comment: This sequence change replaces alanine, which is neutral and non-polar, with threonine, which is neutral and polar, at codon 389 of the CHST3 protein (p.Ala389Thr). This variant is not present in population databases (gnomAD no frequency). This variant has not been reported in the literature in individuals affected with CHST3-related conditions. Algorithms developed to predict the effect of missense changes on protein structure and function (SIFT, PolyPhen-2, Align-GVGD) all suggest that this variant is likely to be tolerated. In summary, the available evidence is currently insufficient to determine the role of this variant in disease. Therefore, it has been classified as a Variant of Uncertain Significance.